The following is an entry in ClinVar:

ClinVar aggregate classification (germline): Uncertain significance (1 of 4 stars; one submission).

Conditions:
Hereditary spastic paraplegia 48. Also called: Spastic paraplegia 48; SPASTIC PARAPLEGIA 48, AUTOSOMAL RECESSIVE. Identifiers: Orphanet 306511, MedGen C3150901, MONDO:0013342, OMIM 613647.

Allele frequency attached by ClinVar (database versions not stated): TOPMed below 0.00001; gnomAD 0.00001.

Submission:

Labcorp Genetics (formerly Invitae), Labcorp
Classification: Uncertain significance for Hereditary spastic paraplegia 48. Last evaluated: 2022-04-21. Review status: criteria provided, single submitter. Criteria: Invitae Variant Classification Sherloc (09022015). Collection method: clinical testing. Allele origin: germline.
Comment: This sequence change replaces leucine, which is neutral and non-polar, with valine, which is neutral and non-polar, at codon 370 of the AP5Z1 protein (p.Leu370Val). This variant is present in population databases (no rsID available, gnomAD 0.02%). This variant has not been reported in the literature in individuals affected with AP5Z1-related conditions. Algorithms developed to predict the effect of missense changes on protein structure and function output the following: SIFT: "Tolerated"; PolyPhen-2: "Benign"; Align-GVGD: "Class C0". The valine amino acid residue is found in multiple mammalian species, which suggests that this missense change does not adversely affect protein function. In summary, the available evidence is currently insufficient to determine the role of this variant in disease. Therefore, it has been classified as a Variant of Uncertain Significance.

NM_014855.3(AP5Z1):c.1108C>G (p.Leu370Val)

Gene: AP5Z1 (adaptor related protein complex 5 subunit zeta 1; plus strand). Cytogenetic location: 7p22.1.
Variant type: single nucleotide variant.
Coding change: c.1108C>G on transcript NM_014855.3 (MANE Select); coding-DNA position 1108, C replaced by G.
Protein change: p.Leu370Val; replaces leucine 370 with valine.
Molecular consequence: missense variant. On other transcripts: non-coding transcript variant (1).
Genome position (GRCh38, 1-based): chr7:4,785,660, C>G. VCF-style: chr7-4785660-C-G. GRCh37 (hg19) VCF-style: chr7-4825291-C-G.
Other names: c.640C>G, p.Leu214Val (NM_001364858.1); short protein forms L214V, L370V.
Identifiers: ClinVar variation 1985231 (VCV001985231.1), dbSNP rs1217058163, ClinGen allele CA366661498.
Genomic context (GRCh38, chr7:4,785,660, plus strand): 5'-CTGAAGGCCCTGCACGGGCGGGTGCGCGGGGACCCGGCCTCTGTGCGGGTGCTGCTGCCC[C>G]TCGCCCACTTCTTCCTGAGCCACGGTGAGCCCAGGGTGGGGTGGCGCTGACTCGGGGCTC-3'
Protein context (NP_055670.1, residues 360-380): DPASVRVLLP[Leu370Val]AHFFLSHGEA